The following is an entry in ClinVar:

ClinVar aggregate classification (germline): Uncertain significance (1 of 4 stars; one submission).

Conditions:
Early Myoclonic Encephalopathy. Identifiers: MedGen C0270855.

Allele frequency attached by ClinVar (database versions not stated): ExAC 0.00001; gnomAD 0.00001.
gnomAD v4.1: 8 of 1,613,914 alleles (0.0005%); highest among the groups gnomAD compares: Non-Finnish European, 0.00051%; no homozygotes.

Submission:

Labcorp Genetics (formerly Invitae), Labcorp
Classification: Uncertain significance for Early Myoclonic Encephalopathy. Last evaluated: 2022-07-09. Review status: criteria provided, single submitter. Criteria: Invitae Variant Classification Sherloc (09022015). Collection method: clinical testing. Allele origin: germline.
Comment: This variant is present in population databases (rs760610876, gnomAD 0.003%). This variant has not been reported in the literature in individuals affected with KCND2-related conditions. Advanced modeling of protein sequence and biophysical properties (such as structural, functional, and spatial information, amino acid conservation, physicochemical variation, residue mobility, and thermodynamic stability) performed at Invitae indicates that this missense variant is not expected to disrupt KCND2 protein function. In summary, the available evidence is currently insufficient to determine the role of this variant in disease. Therefore, it has been classified as a Variant of Uncertain Significance. This sequence change replaces alanine, which is neutral and non-polar, with glutamic acid, which is acidic and polar, at codon 7 of the KCND2 protein (p.Ala7Glu).

NM_012281.3(KCND2):c.20C>A (p.Ala7Glu)

Gene: KCND2 (potassium voltage-gated channel subfamily D member 2; plus strand). Cytogenetic location: 7q31.31.
Variant type: single nucleotide variant.
Coding change: c.20C>A on transcript NM_012281.3 (MANE Select); coding-DNA position 20, C replaced by A.
Protein change: p.Ala7Glu; replaces alanine 7 with glutamic acid.
Molecular consequence: missense variant.
Genome position (GRCh38, 1-based): chr7:120,274,652, C>A. VCF-style: chr7-120274652-C-A. GRCh37 (hg19) VCF-style: chr7-119914706-C-A.
Other names: short protein forms A7E.
Identifiers: ClinVar variation 1905529 (VCV001905529.5), dbSNP rs760610876, ClinGen allele CA4453445.